The following is an entry in ClinVar:

ClinVar aggregate classification (germline): Likely pathogenic (1 of 4 stars; one submission).

Conditions:
Delpire-McNeill syndrome. Also called: SLC12A2-related autosomal dominant infantile-developmental delay-intellectual disability-sensorineural deafness syndrome. Identifiers: Orphanet 633024, MedGen C5436771, MONDO:0033667, OMIM 619083.

Submission:

Johns Hopkins Genomics, Johns Hopkins University
Classification: Likely pathogenic for Delpire-McNeill syndrome. Last evaluated: 2022-08-19. Review status: criteria provided, single submitter. Criteria: ACMG Guidelines, 2015. Collection method: clinical testing. Allele origin: germline.
Comment: This SLC12A2 variant is absent from a large population dataset and has not been reported in ClinVar nor the literature, to our knowledge. This variant is predicted to affect the canonical splice acceptor site of exon 17 of SLC12A2. We consider c.2476-1G>C to be likely pathogenic.

Literature cited by the submitters: PubMed 32658972.

NM_001046.3(SLC12A2):c.2476-1G>C

Gene: SLC12A2 (solute carrier family 12 member 2; plus strand). Cytogenetic location: 5q23.3.
Variant type: single nucleotide variant.
Coding change: c.2476-1G>C on transcript NM_001046.3 (MANE Select); the canonical splice acceptor site of the intron before coding-DNA position 2476, G replaced by C.
Molecular consequence: splice acceptor variant.
Genome position (GRCh38, 1-based): chr5:128,161,659, G>C. VCF-style: chr5-128161659-G-C. GRCh37 (hg19) VCF-style: chr5-127497351-G-C.
Other names: c.2476-1G>C (NM_001256461.2).
Identifiers: ClinVar variation 1704394 (VCV001704394.1), dbSNP rs2479439728, ClinGen allele CA360751204.